The following is an entry in ClinVar:

ClinVar aggregate classification (germline): Pathogenic (1 of 4 stars; one submission).

Conditions:
Agenesis of the corpus callosum with peripheral neuropathy (ACCPN). Also called: CHARLEVOIX DISEASE; POLYNEUROPATHY, SENSORIMOTOR, WITH OR WITHOUT AGENESIS OF THE CORPUS CALLOSUM; HMSN/ACC; Hereditary Motor and Sensory Neuropathy with Agenesis of the Corpus Callosum. Identifiers: Orphanet 1496, MedGen C0795950, MONDO:0000902, OMIM 218000. Disease mechanism: loss of function.

Submission:

Myriad Genetics, Inc.
Classification: Pathogenic for Agenesis of the corpus callosum with peripheral neuropathy. Last evaluated: 2024-01-21. Review status: criteria provided, single submitter. Criteria: Myriad Autosomal Dominant, Autosomal Recessive and X-Linked Classification Criteria (2023). Collection method: clinical testing. Allele origin: unknown.
Comment: NM_133647.1(SLC12A6):c.1548dupT(P517Sfs*27) is expected to be pathogenic in the context of Andermann syndrome. This variant is predicted to lead to an abnormal or absent protein product due to the creation of a premature termination codon in SLC12A6, a gene where loss-of-function variants are known to be pathogenic. Please note: this variant was assessed in the context of healthy population screening.

NM_001365088.1(SLC12A6):c.1548dup (p.Pro517fs)

Gene: SLC12A6 (solute carrier family 12 member 6; minus strand). Cytogenetic location: 15q14.
Variant type: Duplication.
Coding change: c.1548dup on transcript NM_001365088.1 (MANE Select); coding-DNA position 1548, one base duplicated (T; older notation c.1548dupT).
Protein change: p.Pro517fs; shifts the reading frame from proline 517.
Molecular consequence: frameshift variant.
Genome position (GRCh38, 1-based): chr15:34,250,674, A duplicated on the plus strand (T on the coding strand, the reverse complement: SLC12A6 is on the minus strand); the first of 2 consecutive A bases (chr15:34,250,674-34,250,675); duplicating either gives the same sequence. VCF-style (leftmost placement, unchanged base first): chr15-34250673-G-GA. GRCh37 (hg19) VCF-style: chr15-34542874-G-GA.
Other names: c.1371dup, p.Pro458fs (NM_001042494.2, NM_001042495.2); c.1521dup, p.Pro508fs (NM_001042496.2); c.1503dup, p.Pro502fs (NM_001042497.2); c.1395dup, p.Pro466fs (NM_005135.2); c.1548dup, p.Pro517fs (NM_133647.2); short protein forms P458fs, P466fs, P502fs, P508fs, P517fs.
Identifiers: ClinVar variation 5012659 (VCV005012659.1).